The following is an entry in ClinVar:

NM_000517.6(HBA2):c.*40T>G

Genes: HBA2 (hemoglobin subunit alpha 2; plus strand), LOC106804612 (hemoglobin subunit alpha 2 recombination region; plus strand). Cytogenetic location: 16p13.3.
Variant type: single nucleotide variant.
Coding change: c.*40T>G on transcript NM_000517.6 (MANE Select); 40 bases downstream of the stop codon, T replaced by G.
Molecular consequence: 3 prime UTR variant.
Genome position (GRCh38, 1-based): chr16:173,640, T>G. VCF-style: chr16-173640-T-G. GRCh37 (hg19) VCF-style: chr16-223639-T-G.
Identifiers: ClinVar variation 3055146 (VCV003055146.2), dbSNP rs2505432337, ClinGen allele CA2740096798.

ClinVar aggregate classification (germline): Likely benign (0 of 4 stars; one submission).

Conditions:
HBA2-related disorder. Also called: HBA2-related condition.

Submission:

PreventionGenetics, part of Exact Sciences
Classification: Likely benign for HBA2-related condition. Last evaluated: 2022-11-11. Review status: no assertion criteria provided. Collection method: clinical testing. Allele origin: germline.
Comment: This variant is classified as likely benign based on ACMG/AMP sequence variant interpretation guidelines (Richards et al. 2015 PMID: 25741868, with internal and published modifications).